The following is an entry in ClinVar:

NM_001184880.2(PCDH19):c.790G>T (p.Asp264Tyr)

Gene: PCDH19 (protocadherin 19; minus strand). Cytogenetic location: Xq22.1.
Variant type: single nucleotide variant.
Coding change: c.790G>T on transcript NM_001184880.2 (MANE Select); coding-DNA position 790, G replaced by T.
Protein change: p.Asp264Tyr; replaces aspartic acid 264 with tyrosine.
Molecular consequence: missense variant.
Genome position (GRCh38, 1-based): chrX:100,407,808, C>A on the plus strand (G>T on the coding strand, the complement: PCDH19 is on the minus strand). VCF-style: chrX-100407808-C-A. GRCh37 (hg19) VCF-style: chrX-99662806-C-A.
Other names: c.790G>T, p.Asp264Tyr (NM_001105243.2, NM_020766.3); short protein forms D264Y.
Identifiers: ClinVar variation 159562 (VCV000159562.7), dbSNP rs587784300, ClinGen allele CA172968.

ClinVar aggregate classification (germline): Uncertain significance. Review status: criteria provided, multiple submitters, no conflicts (2 of 4 stars). 2 submissions from 2 submitters: Uncertain significance (2). Last evaluated 2020-02-21.

Conditions:
Developmental and epileptic encephalopathy, 9 (DEE9). Also called: JUBERG-HELLMAN SYNDROME; Early infantile epileptic encephalopathy 9; EPILEPSY, FEMALE-RESTRICTED, WITH MENTAL RETARDATION; PCDH19-Related X-Linked Female-Limited Epilepsy with Mental Retardation. Identifiers: Orphanet 101039, Orphanet 2076, MedGen C1848137, MONDO:0010246, OMIM 300088. Disease mechanism: loss of function.

Submissions (2):

GeneDx
Classification: Uncertain significance. Last evaluated: 2020-02-21. Review status: criteria provided, single submitter. Criteria: GeneDx Variant Classification Process June 2021. Collection method: clinical testing. Allele origin: germline. Affected: yes.
Comment: Not observed in large population cohorts (Lek et al., 2016); The majority of missense variants in this gene are considered pathogenic (Stenson et al., 2014); In silico analysis, which includes protein predictors and evolutionary conservation, supports a deleterious effect; Reported previously as an inherited variant in two unrelated patients with epilepsy (Farnaes et al., 2018; Zhu et al., 2017); This variant is associated with the following publications: (PMID: 29644095, 29186148, 30582250, 31019026)

Genetic Services Laboratory, University of Chicago
Classification: Uncertain significance for Epileptic encephalopathy, early infantile, 9. Last evaluated: 2013-10-09. Review status: criteria provided, single submitter. Criteria: ACMG Guidelines, 2007. Collection method: clinical testing. Allele origin: germline. Inheritance: X-linked inheritance.